The following is an entry in ClinVar:

NM_001379659.1(ZNF142):c.4006C>G (p.His1336Asp)

Gene: ZNF142 (zinc finger protein 142; minus strand). Cytogenetic location: 2q35.
Variant type: single nucleotide variant.
Coding change: c.4006C>G on transcript NM_001379659.1 (MANE Select); coding-DNA position 4006, C replaced by G.
Protein change: p.His1336Asp; replaces histidine 1336 with aspartic acid.
Molecular consequence: missense variant.
Genome position (GRCh38, 1-based): chr2:218,643,110, G>C on the plus strand (C>G on the coding strand, the complement: ZNF142 is on the minus strand). VCF-style: chr2-218643110-G-C. GRCh37 (hg19) VCF-style: chr2-219507833-G-C.
Other names: c.3406C>G, p.His1136Asp (NM_001105537.5, NM_001366291.3, NM_001379662.1); c.2917C>G, p.His973Asp (NM_001366287.3, NM_001366288.3, NM_001366289.3); c.4006C>G, p.His1336Asp (NM_001366290.3, NM_001379660.1, NM_001379661.1); short protein forms H1136D, H1336D, H973D.
Identifiers: ClinVar variation 1676499 (VCV001676499.27), dbSNP rs373958230, ClinGen allele CA2108877.

ClinVar aggregate classification (germline): Uncertain significance. Review status: criteria provided, multiple submitters, no conflicts (2 of 4 stars). 2 submissions from 2 submitters: Uncertain significance (2). Last evaluated 2023-09-01.

gnomAD v4.1: 29 of 1,612,456 alleles (0.0018%); highest among the groups gnomAD compares: Admixed American, 0.0034%; no homozygotes.

Submissions (2):

CeGaT Center for Human Genetics Tuebingen
Classification: Uncertain significance. Last evaluated: 2023-09-01. Review status: criteria provided, single submitter. Criteria: CeGaT Center For Human Genetics Tuebingen Variant Classification Criteria Version 2. Collection method: clinical testing. Allele origin: germline. Affected: yes. Observed: 1 variant allele.
Comment: ZNF142: PM2, BP4

Greenwood Genetic Center Diagnostic Laboratories, Greenwood Genetic Center
Classification: Uncertain significance. Last evaluated: 2022-01-10. Review status: criteria provided, single submitter. Criteria: ACMG Guidelines, 2015. Collection method: clinical testing. Allele origin: germline. Affected: yes.
Comment: PM2